The following is an entry in ClinVar:

NM_000348.4(SRD5A2):c.269A>G (p.His90Arg)

Gene: SRD5A2 (steroid 5 alpha-reductase 2; minus strand). Cytogenetic location: 2p23.1.
Variant type: single nucleotide variant.
Coding change: c.269A>G on transcript NM_000348.4 (MANE Select); coding-DNA position 269, A replaced by G.
Protein change: p.His90Arg; replaces histidine 90 with arginine.
Molecular consequence: missense variant.
Genome position (GRCh38, 1-based): chr2:31,580,632, T>C on the plus strand (A>G on the coding strand, the complement: SRD5A2 is on the minus strand). VCF-style: chr2-31580632-T-C. GRCh37 (hg19) VCF-style: chr2-31805702-T-C.
Other names: short protein forms H90R.
Identifiers: ClinVar variation 3907179 (VCV003907179.1).
Genomic context (GRCh38, chr2:31,580,632, plus strand): 5'-GAGCAGGGCAGTGCGCTGCACTGGGCGCCCGCAAGGGAAAAACGCTACCTGTGGAAGTAA[T>C]GTAGGCAGAAGAGGCCCAGAAGTACCGTCCCAGGTGGCCCGAAGAGGGAGAGGGGCTGCC-3'
Protein context (NP_000339.2, residues 80-100): GTVLLGLFCL[His90Arg]YFHRTFVYSL

ClinVar aggregate classification (germline): Uncertain significance (1 of 4 stars; one submission).

gnomAD v4.1: 1 of 1,571,716 alleles (0.000064%); highest among the groups gnomAD compares: East Asian, 0.0023%; no homozygotes.

Submission:

Women's Health and Genetics/Laboratory Corporation of America, LabCorp
Classification: Uncertain significance. Last evaluated: 2025-06-12. Review status: criteria provided, single submitter. Criteria: LabCorp Variant Classification Summary - May 2015. Collection method: clinical testing. Allele origin: germline.
Comment: Variant summary: SRD5A2 c.269A>G (p.Tyr90Cys) results in a non-conservative amino acid change in the encoded protein sequence. Algorithms developed to predict the effect of missense changes on protein structure and function are either unavailable or do not agree on the potential impact of this missense change. The variant was absent in 197920 control chromosomes. The available data on variant occurrences in the general population are insufficient to allow any conclusion about variant significance. To our knowledge, no occurrence of c.269A>G in individuals affected with 3-Oxo-5 alpha-steroid delta 4-dehydrogenase deficiency and no experimental evidence demonstrating its impact on protein function have been reported. A different variant affecting the same codon has been classified as likely pathogenic/pathogenic by our lab (c.268T>C, &same_codon_pdot&), supporting the critical relevance of codon 90 to SRD5A2 protein function. No submitters have cited clinical-significance assessments for this variant to ClinVar. Based on the evidence outlined above, the variant was classified as uncertain significance.